The following is an entry in ClinVar:

ClinVar aggregate classification (germline): Uncertain significance. Review status: criteria provided, multiple submitters, no conflicts (2 of 4 stars). 8 submissions from 8 submitters: Uncertain significance (8). Last evaluated 2026-05-01.

Conditions:
Inborn genetic diseases. Identifiers: MedGen C0950123, MeSH D030342.
Juvenile onset Parkinson disease 19A. Also called: DNAJC6 Parkinson Disease; PARK19. Identifiers: Orphanet 391411, MedGen C3809811, MONDO:0014231, OMIM 615528.

Allele frequency attached by ClinVar (database versions not stated): gnomAD 0.00045; TOPMed 0.00048; ESP Exome Variant Server 0.00054.
gnomAD v4.1: 798 of 1,611,750 alleles (0.05%); highest among the groups gnomAD compares: Non-Finnish European, 0.064%; 1 homozygote.

Submissions (8):

CeGaT Center for Human Genetics Tuebingen
Classification: Uncertain significance. Last evaluated: 2026-05-01. Review status: criteria provided, single submitter. Criteria: CeGaT Center For Human Genetics Tuebingen Variant Classification Criteria Version 2. Collection method: clinical testing. Allele origin: germline. Affected: yes. Observed: 3 variant alleles.

Mayo Clinic Laboratories, Mayo Clinic
Classification: Uncertain significance. Last evaluated: 2025-04-28. Review status: criteria provided, single submitter. Criteria: ACMG Guidelines, 2015. Collection method: clinical testing. Allele origin: germline. Observed: 2 variant alleles.
Comment: BS1

Blueprint Genetics
Classification: Uncertain significance. Last evaluated: 2024-11-07. Review status: criteria provided, single submitter. Criteria: ACMG Guidelines, 2015. Collection method: clinical testing. Allele origin: germline.

Genome-Nilou Lab
Classification: Uncertain significance for Juvenile onset Parkinson disease 19A. Last evaluated: 2023-04-11. Review status: criteria provided, single submitter. Criteria: ACMG Guidelines, 2015. Collection method: clinical testing. Allele origin: germline. Affected: no.

Labcorp Genetics (formerly Invitae), Labcorp
Classification: Uncertain significance for Juvenile onset Parkinson disease 19A. Last evaluated: 2022-11-01. Review status: criteria provided, single submitter. Criteria: Invitae Variant Classification Sherloc (09022015). Collection method: clinical testing. Allele origin: germline.
Comment: This sequence change replaces alanine, which is neutral and non-polar, with threonine, which is neutral and polar, at codon 277 of the DNAJC6 protein (p.Ala277Thr). This variant is present in population databases (rs146050826, gnomAD 0.08%). This variant has not been reported in the literature in individuals affected with DNAJC6-related conditions. ClinVar contains an entry for this variant (Variation ID: 1298426). Algorithms developed to predict the effect of missense changes on protein structure and function output the following: SIFT: "Tolerated"; PolyPhen-2: "Benign"; Align-GVGD: "Class C0". The threonine amino acid residue is found in multiple mammalian species, which suggests that this missense change does not adversely affect protein function. In summary, the available evidence is currently insufficient to determine the role of this variant in disease. Therefore, it has been classified as a Variant of Uncertain Significance.

GeneDx
Classification: Uncertain significance. Last evaluated: 2022-06-01. Review status: criteria provided, single submitter. Criteria: GeneDx Variant Classification Process June 2021. Collection method: clinical testing. Allele origin: germline. Affected: yes.
Comment: In silico analysis supports that this missense variant has a deleterious effect on protein structure/function; Has not been previously published as pathogenic or benign to our knowledge

Ambry Genetics
Classification: Uncertain significance for Inborn genetic diseases. Last evaluated: 2022-01-28. Review status: criteria provided, single submitter. Criteria: Ambry Variant Classification Scheme 2023. Collection method: clinical testing. Allele origin: germline.

Breakthrough Genomics
Classification: Uncertain significance. Review status: criteria provided, single submitter. Criteria: ACMG Guidelines, 2015. Collection method: not provided. Allele origin: germline. Inheritance: Autosomal recessive inheritance. Affected: yes.

Literature cited by the submitters: PubMed 35893043 (cited by Mayo Clinic Laboratories, Mayo Clinic).

NM_001256864.2(DNAJC6):c.829G>A (p.Ala277Thr)

Gene: DNAJC6 (DnaJ heat shock protein family (Hsp40) member C6; plus strand). Cytogenetic location: 1p31.3.
Variant type: single nucleotide variant.
Coding change: c.829G>A on transcript NM_001256864.2 (MANE Select); coding-DNA position 829, G replaced by A.
Protein change: p.Ala277Thr; replaces alanine 277 with threonine.
Molecular consequence: missense variant.
Genome position (GRCh38, 1-based): chr1:65,385,740, G>A. VCF-style: chr1-65385740-G-A. GRCh37 (hg19) VCF-style: chr1-65851423-G-A.
Other names: p.Ala277Thr; c.619G>A, p.Ala207Thr (NM_001256865.2); c.658G>A, p.Ala220Thr (NM_014787.4); c.658G>A (NM_014787.2); short protein forms A207T, A220T, A277T.
Identifiers: ClinVar variation 1298426 (VCV001298426.42), dbSNP rs146050826, ClinGen allele CA893770.